The following is an entry in ClinVar:

ClinVar aggregate classification (germline): Uncertain significance (1 of 4 stars; one submission).

Conditions:
Lymphatic malformation 9. Identifiers: MedGen C5543365, MONDO:0030270, OMIM 619319.

gnomAD v4.1: 4 of 1,612,058 alleles (0.00025%); highest among the groups gnomAD compares: African/African-American, 0.0053%; no homozygotes.

Submission:

Clinical Genomics Laboratory, Washington University in St. Louis
Classification: Uncertain significance for Lymphatic malformation 9. Last evaluated: 2025-10-13. Review status: criteria provided, single submitter. Criteria: ACMG Guidelines, 2015. Collection method: clinical testing. Allele origin: germline.
Comment: A CELSR1 c.8953A>T (p.Arg2985Trp) variant was identified at a near heterozygous allelic fraction of 48.9%, a frequency which may be consistent with it being of germline origin. This variant, to our knowledge, has not been reported in the medical literature or the ClinVar database. This variant is only observed on 4/1,612,058 alleles in the general population (gnomAD v4.1.0), indicating it is not a common variant. Due to limited information, and based on ACMG/AMP guidelines for variant interpretation (Richards S et al., PMID: 25741868), the clinical significance of this variant is uncertain at this time.

NM_001378328.1(CELSR1):c.8953A>T (p.Arg2985Trp)

Gene: CELSR1 (cadherin EGF LAG seven-pass G-type receptor 1; minus strand). Cytogenetic location: 22q13.31.
Variant type: single nucleotide variant.
Coding change: c.8953A>T on transcript NM_001378328.1 (MANE Select); coding-DNA position 8953, A replaced by T.
Protein change: p.Arg2985Trp; replaces arginine 2985 with tryptophan.
Molecular consequence: missense variant.
Genome position (GRCh38, 1-based): chr22:46,364,078, T>A on the plus strand (A>T on the coding strand, the complement: CELSR1 is on the minus strand). VCF-style: chr22-46364078-T-A. GRCh37 (hg19) VCF-style: chr22-46759975-T-A.
Other names: c.8953A>T, p.Arg2985Trp (NM_014246.4); short protein forms R2985W.
Identifiers: ClinVar variation 4974642 (VCV004974642.1).